The following is an entry in ClinVar:

NM_002941.4(ROBO1):c.233T>C (p.Ile78Thr)

Gene: ROBO1 (roundabout guidance receptor 1; minus strand). Cytogenetic location: 3p12.3.
Variant type: single nucleotide variant.
Coding change: c.233T>C on transcript NM_002941.4 (MANE Select); coding-DNA position 233, T replaced by C.
Protein change: p.Ile78Thr; replaces isoleucine 78 with threonine.
Molecular consequence: missense variant.
Genome position (GRCh38, 1-based): chr3:78,938,867, A>G on the plus strand (T>C on the coding strand, the complement: ROBO1 is on the minus strand). VCF-style: chr3-78938867-A-G. GRCh37 (hg19) VCF-style: chr3-78988017-A-G.
Other names: c.116T>C, p.Ile39Thr (NM_001145844.1, NM_001145845.2, NM_133631.4); short protein forms I39T, I78T.
Identifiers: ClinVar variation 2603929 (VCV002603929.3), dbSNP rs2546356496, ClinGen allele CA353682209.

ClinVar aggregate classification (germline): Uncertain significance. Review status: criteria provided, multiple submitters, no conflicts (2 of 4 stars). 2 submissions from 2 submitters: Uncertain significance (2). Last evaluated 2023-07-19.

Conditions:
Inborn genetic diseases. Identifiers: MedGen C0950123, MeSH D030342.

gnomAD v4.1: 1 of 1,613,986 alleles (0.000062%); no homozygotes.

Submissions (2):

GeneDx
Classification: Uncertain significance. Last evaluated: 2023-07-19. Review status: criteria provided, single submitter. Criteria: GeneDx Variant Classification Process June 2021. Collection method: clinical testing. Allele origin: germline. Affected: yes.
Comment: Not observed at significant frequency in large population cohorts (gnomAD); In silico analysis supports that this missense variant has a deleterious effect on protein structure/function; Has not been previously published as pathogenic or benign to our knowledge

Ambry Genetics
Classification: Uncertain significance for Inborn genetic diseases. Last evaluated: 2023-06-16. Review status: criteria provided, single submitter. Criteria: Ambry Variant Classification Scheme 2023. Collection method: clinical testing. Allele origin: germline.